The following is an entry in ClinVar:

NM_005529.7(HSPG2):c.11513C>G (p.Thr3838Arg)

Gene: HSPG2 (heparan sulfate proteoglycan 2; minus strand). Cytogenetic location: 1p36.12.
Variant type: single nucleotide variant.
Coding change: c.11513C>G on transcript NM_005529.7 (MANE Select); coding-DNA position 11513, C replaced by G.
Protein change: p.Thr3838Arg; replaces threonine 3838 with arginine.
Molecular consequence: missense variant.
Genome position (GRCh38, 1-based): chr1:21,831,264, G>C on the plus strand (C>G on the coding strand, the complement: HSPG2 is on the minus strand). VCF-style: chr1-21831264-G-C. GRCh37 (hg19) VCF-style: chr1-22157757-G-C.
Other names: c.11516C>G, p.Thr3839Arg (NM_001291860.2); short protein forms T3838R, T3839R.
Identifiers: ClinVar variation 1933525 (VCV001933525.2), dbSNP rs750376699, ClinGen allele CA669757.
Genomic context (GRCh38, chr1:21,831,264, plus strand): 5'-TGTGGGGTCACCTGGCAGGGCCGGTCCCGACAGGTGGGGCAGTGGGAGATGCCGTGCGCC[G>C]TGAGGTTGAGGTCATGGAAGACGATCTCCTCGCCCTGGATGCGCAGCTCCCGGACACAGC-3'
Protein context (NP_005520.4, residues 3828-3848): EEIVFHDLNL[Thr3838Arg]AHGISHCPTC

ClinVar aggregate classification (germline): Uncertain significance (1 of 4 stars; one submission).

Allele frequency attached by ClinVar (database versions not stated): 1000 Genomes Project 30x 0.00031.
gnomAD v4.1: 6 of 1,614,044 alleles (0.00037%); highest among the groups gnomAD compares: Admixed American, 0.01%; no homozygotes.

Submission:

Labcorp Genetics (formerly Invitae), Labcorp
Classification: Uncertain significance. Last evaluated: 2022-01-22. Review status: criteria provided, single submitter. Criteria: Invitae Variant Classification Sherloc (09022015). Collection method: clinical testing. Allele origin: germline.
Comment: This sequence change replaces threonine, which is neutral and polar, with arginine, which is basic and polar, at codon 3838 of the HSPG2 protein (p.Thr3838Arg). This variant is not present in population databases (gnomAD no frequency). This variant has not been reported in the literature in individuals affected with HSPG2-related conditions. Algorithms developed to predict the effect of missense changes on protein structure and function (SIFT, PolyPhen-2, Align-GVGD) all suggest that this variant is likely to be tolerated. Algorithms developed to predict the effect of sequence changes on RNA splicing suggest that this variant may create or strengthen a splice site. In summary, the available evidence is currently insufficient to determine the role of this variant in disease. Therefore, it has been classified as a Variant of Uncertain Significance.